The following is an entry in ClinVar:

ClinVar aggregate classification (germline): Uncertain significance (1 of 4 stars; one submission).

Conditions:
Hypertrophic cardiomyopathy 10. Also called: MYL2-Related Familial Hypertrophic Cardiomyopathy; CARDIOMYOPATHY, HYPERTROPHIC, MID-LEFT VENTRICULAR CHAMBER TYPE, 2. Identifiers: MedGen C1834460, MONDO:0012112, OMIM 608758.

Submission:

Labcorp Genetics (formerly Invitae), Labcorp
Classification: Uncertain significance for Hypertrophic cardiomyopathy 10. Last evaluated: 2024-11-18. Review status: criteria provided, single submitter. Criteria: Invitae Variant Classification Sherloc (09022015). Collection method: clinical testing. Allele origin: germline.
Comment: This sequence change replaces glycine, which is neutral and non-polar, with valine, which is neutral and non-polar, at codon 75 of the MYL2 protein (p.Gly75Val). This variant is not present in population databases (gnomAD no frequency). This variant has not been reported in the literature in individuals affected with MYL2-related conditions. An algorithm developed to predict the effect of missense changes on protein structure and function (PolyPhen-2) suggests that this variant is likely to be disruptive. In summary, the available evidence is currently insufficient to determine the role of this variant in disease. Therefore, it has been classified as a Variant of Uncertain Significance.

NM_000432.4(MYL2):c.224G>T (p.Gly75Val)

Gene: MYL2 (myosin light chain 2; minus strand). Cytogenetic location: 12q24.11.
Variant type: single nucleotide variant.
Coding change: c.224G>T on transcript NM_000432.4 (MANE Select); coding-DNA position 224, G replaced by T.
Protein change: p.Gly75Val; replaces glycine 75 with valine.
Molecular consequence: missense variant.
Genome position (GRCh38, 1-based): chr12:110,914,236, C>A on the plus strand (G>T on the coding strand, the complement: MYL2 is on the minus strand). VCF-style: chr12-110914236-C-A. GRCh37 (hg19) VCF-style: chr12-111352040-C-A.
Other names: c.182G>T, p.Gly61Val (NM_001406745.1); c.167G>T, p.Gly56Val (NM_001406916.1); short protein forms G56V, G75V, G61V.
Identifiers: ClinVar variation 3725065 (VCV003725065.2).